The following is an entry in ClinVar:

NM_001430.5(EPAS1):c.876_877delinsCT (p.His293Tyr)

Gene: EPAS1 (endothelial PAS domain protein 1; plus strand). Cytogenetic location: 2p21.
Variant type: Indel.
Coding change: c.876_877delinsCT on transcript NM_001430.5 (MANE Select); coding-DNA positions 876 to 877, TC replaced by CT.
Protein change: p.His293Tyr; replaces histidine 293 with tyrosine.
Molecular consequence: missense variant.
Genome position (GRCh38, 1-based): chr2:46,369,923-46,369,924, TC replaced by CT. VCF-style: chr2-46369923-TC-CT. GRCh37 (hg19) VCF-style: chr2-46597062-TC-CT.
Other names: short protein forms H293Y.
Identifiers: ClinVar variation 4732371 (VCV004732371.1).

ClinVar aggregate classification (germline): Uncertain significance (1 of 4 stars; one submission).

Submission:

Labcorp Genetics (formerly Invitae), Labcorp
Classification: Uncertain significance. Last evaluated: 2025-12-02. Review status: criteria provided, single submitter. Criteria: Invitae Variant Classification Sherloc (09022015). Collection method: clinical testing. Allele origin: germline.
Comment: This sequence change replaces histidine, which is basic and polar, with tyrosine, which is neutral and polar, at codon 293 of the EPAS1 protein (p.His293Tyr). Information on the frequency of this variant in the gnomAD database is not available, as this variant may be reported differently in the database. This variant has not been reported in the literature in individuals affected with EPAS1-related conditions. Experimental studies and prediction algorithms are not available or were not evaluated, and the functional significance of this variant is currently unknown. In summary, the available evidence is currently insufficient to determine the role of this variant in disease. Therefore, it has been classified as a Variant of Uncertain Significance.